The following is an entry in ClinVar:

ClinVar aggregate classification (germline): Uncertain significance. Review status: criteria provided, multiple submitters, no conflicts (2 of 4 stars). 3 submissions from 3 submitters: Uncertain significance (3). Last evaluated 2024-01-31.

Allele frequency attached by ClinVar (database versions not stated): gnomAD exomes 0.00001 and 0.00002; ExAC 0.00002.
gnomAD v4.1: 17 of 1,614,084 alleles (0.0011%); highest among the groups gnomAD compares: South Asian, 0.0099%; 1 homozygote.

Submissions (3):

Labcorp Genetics (formerly Invitae), Labcorp
Classification: Uncertain significance. Last evaluated: 2024-01-31. Review status: criteria provided, single submitter. Criteria: Invitae Variant Classification Sherloc (09022015). Collection method: clinical testing. Allele origin: germline.
Comment: This sequence change replaces leucine, which is neutral and non-polar, with methionine, which is neutral and non-polar, at codon 244 of the SLC10A2 protein (p.Leu244Met). This variant is present in population databases (rs760485129, gnomAD 0.01%). This variant has not been reported in the literature in individuals affected with SLC10A2-related conditions. ClinVar contains an entry for this variant (Variation ID: 593497). Advanced modeling of protein sequence and biophysical properties (such as structural, functional, and spatial information, amino acid conservation, physicochemical variation, residue mobility, and thermodynamic stability) performed at Invitae indicates that this missense variant is not expected to disrupt SLC10A2 protein function with a negative predictive value of 80%. In summary, the available evidence is currently insufficient to determine the role of this variant in disease. Therefore, it has been classified as a Variant of Uncertain Significance.

Ambry Genetics
Classification: Uncertain significance. Last evaluated: 2024-01-02. Review status: criteria provided, single submitter. Criteria: Ambry Variant Classification Scheme 2023. Collection method: clinical testing. Allele origin: germline.

Eurofins Ntd Llc (ga)
Classification: Uncertain significance. Last evaluated: 2017-08-01. Review status: criteria provided, single submitter. Criteria: EGL Classification Definitions 2015. Collection method: clinical testing. Allele origin: germline. Observed: 1 variant allele, 1 heterozygote.

NM_000452.3(SLC10A2):c.730C>A (p.Leu244Met)

Gene: SLC10A2 (solute carrier family 10 member 2; minus strand). Cytogenetic location: 13q33.1.
Variant type: single nucleotide variant.
Coding change: c.730C>A on transcript NM_000452.3 (MANE Select); coding-DNA position 730, C replaced by A.
Protein change: p.Leu244Met; replaces leucine 244 with methionine.
Molecular consequence: missense variant.
Genome position (GRCh38, 1-based): chr13:103,051,288, G>T on the plus strand (C>A on the coding strand, the complement: SLC10A2 is on the minus strand). VCF-style: chr13-103051288-G-T. GRCh37 (hg19) VCF-style: chr13-103703638-G-T.
Other names: c.730C>A (NM_000452.2); short protein forms L244M.
Identifiers: ClinVar variation 593497 (VCV000593497.9), dbSNP rs760485129, ClinGen allele CA7042079.